The following is an entry in ClinVar:

NM_000135.4(FANCA):c.2863C>G (p.His955Asp)

Gene: FANCA (FA complementation group A; minus strand). Cytogenetic location: 16q24.3.
Variant type: single nucleotide variant.
Coding change: c.2863C>G on transcript NM_000135.4 (MANE Select); coding-DNA position 2863, C replaced by G.
Protein change: p.His955Asp; replaces histidine 955 with aspartic acid.
Molecular consequence: missense variant.
Genome position (GRCh38, 1-based): chr16:89,758,695, G>C on the plus strand (C>G on the coding strand, the complement: FANCA is on the minus strand). VCF-style: chr16-89758695-G-C. GRCh37 (hg19) VCF-style: chr16-89825103-G-C.
Other names: c.2863C>G, p.His955Asp (NM_001286167.3); short protein forms H955D.
Identifiers: ClinVar variation 4022237 (VCV004022237.1).

ClinVar aggregate classification (germline): Uncertain significance (1 of 4 stars; one submission).

Conditions:
Inborn genetic diseases. Identifiers: MedGen C0950123, MeSH D030342.

gnomAD v4.1: 1 of 1,613,788 alleles (0.000062%); highest among the groups gnomAD compares: Non-Finnish European, 0.000085%; no homozygotes.

Submission:

Ambry Genetics
Classification: Uncertain significance for Inborn genetic diseases. Last evaluated: 2025-05-04. Review status: criteria provided, single submitter. Criteria: Ambry Variant Classification Scheme 2023. Collection method: clinical testing. Allele origin: germline.
Comment: The p.H955D variant (also known as c.2863C>G), located in coding exon 30 of the FANCA gene, results from a C to G substitution at nucleotide position 2863. The histidine at codon 955 is replaced by aspartic acid, an amino acid with similar properties. This amino acid position is conserved. In addition, the in silico prediction for this alteration is inconclusive. Based on the available evidence, the clinical significance of this variant remains unclear.